The following is an entry in ClinVar:

ClinVar aggregate classification (germline): Likely pathogenic. Review status: reviewed by expert panel (3 of 4 stars). 10 submissions from 10 submitters: Likely pathogenic (1). 9 of the submissions do not count toward it. Last evaluated 2023-10-18.

Conditions:
USH2A-related disorder. Also called: USH2A-related disorders; USH2A-related condition. Identifiers: MedGen CN239332.
Usher syndrome. Also called: Usher's syndrome; Usher Syndromes. Identifiers: Orphanet 886, MedGen CN469326, MeSH D052245, MONDO:0019501. Disease mechanism: loss of function.
Usher syndrome type 2A. Also called: RETINAL DISEASE IN USHER SYNDROME TYPE IIA, MODIFIER OF; USHER SYNDROME, TYPE IIA. Identifiers: Orphanet 231178, Orphanet 886, MedGen C1848634, MONDO:0010169, OMIM 276901.
Retinitis pigmentosa 39 (RP39). Identifiers: Orphanet 791, MedGen C3151138, MONDO:0013436, OMIM 613809.

gnomAD v4.1: 3 of 1,613,642 alleles (0.00019%); highest among the groups gnomAD compares: Non-Finnish European, 0.00025%; no homozygotes.

Submissions (10):

ClinGen Hearing Loss Variant Curation Expert Panel
Classification: Likely pathogenic for Usher syndrome. Last evaluated: 2023-10-18. Review status: reviewed by expert panel. Criteria: Clingen Hl Acmg Specifications Cdh23 Coch Gjb2 Kcnq4 Myo6 Myo7a Slc26a4 Tecta Ush2a V2. Collection method: curation. Allele origin: germline. Inheritance: Autosomal recessive inheritance.
Comment: The c.5516T>A variant in USH2A is a missense variant predicted to cause substitution of valine to glutamate at amino acid position 1839. The variant was absent from gnomAD v2.1.1 and present in 0.001549% (1/64578) of non-Finnish European chromosomes in gnomAD v3 (PM2_Supporting). Computational prediction tools and conservation analyses do not provide strong support for or against an impact to the protein. This variant has been detected in at least 4 individuals (2 with Usher syndrome and 2 with isolated retinitis pigmentosa) (total of 2.5 PM3 points, PM3_Strong). One individual with Usher syndrome was assumed to be compound heterozygous with a pathogenic c.2299del variant, but phase unknown (VCV000002351.78; PMID: 26927203). The other two individuals had retinitis pigmentosa and were assumed compound heterozygous with pathogenic p.(Cys759Phe) variant (VCV000002356.89; PMID: 26927203; PMID: 34203967). One patient displayed both retinal degradation and sensorineural hearing loss, features highly specific for USH2A (PP4). Patients with this variant may present with either Usher syndrome or with isolated RP. Isolated RP presentations are more common when the variant is seen with missense variants while Usher syndrome is more common when it is found with truncating variants. In summary, the clinical significance of this variant is likely pathogenic. ACMG/AMP criteria applied, as specified by the ClinGen Hearing Loss Expert Panel: PM2_Supporting, PM3_Strong, PP4 (VCEP specifications version 2; 10.18.2023).

Myriad Genetics, Inc.
Classification: Likely pathogenic for USH2A-related disorder. Last evaluated: 2026-05-21. Review status: criteria provided, single submitter. Criteria: Myriad Autosomal Dominant, Autosomal Recessive and X-Linked Classification Criteria (2023). Collection method: clinical testing. Allele origin: unknown. Not counted in ClinVar's aggregate classification.
Comment: NM_206933.2(USH2A):c.5516T>A(V1839E) is a missense variant classified as likely pathogenic in the context of USH2A-related disorders. V1839E has been observed in cases with relevant disease (PMID: 28944237, 26927203, 37446072, 37734845, 36785559). Relevant functional assessments of this variant are not available in the literature. V1839E has not been observed in referenced population frequency databases. In summary, NM_206933.2(USH2A):c.5516T>A(V1839E) is a missense variant that has been observed more frequently in cases with the relevant disease than in healthy populations. Please note: this variant was assessed in the context of healthy population screening.

Natera, Inc.
Classification: Likely pathogenic for Usher syndrome type 2A. Last evaluated: 2024-07-08. Review status: criteria provided, single submitter. Criteria: Natera Variant Classification Schema (03/2026). Collection method: clinical testing. Allele origin: germline. Not counted in ClinVar's aggregate classification.
Comment: The c.5516T>A variant in USH2A is a missense variant predicted to cause substitution of valine to glutamic acid at amino acid 1839. This variant is rare in the general population with a frequency below the threshold expected for the associated phenotype(s). This variant has been observed in one or more individuals affected with the associated recessive disease, as either homozygous or compound heterozygous with a second variant (PMID: 28944237). Computational prediction algorithms indicate this variant is likely to affect gene or protein function. Given the available evidence, this variant is classified as Likely Pathogenic.

Labcorp Genetics (formerly Invitae), Labcorp
Classification: Likely pathogenic. Last evaluated: 2022-08-29. Review status: criteria provided, single submitter. Criteria: Invitae Variant Classification Sherloc (09022015). Collection method: clinical testing. Allele origin: germline. Not counted in ClinVar's aggregate classification.
Comment: This variant is not present in population databases (gnomAD no frequency). This sequence change replaces valine, which is neutral and non-polar, with glutamic acid, which is acidic and polar, at codon 1839 of the USH2A protein (p.Val1839Glu). This missense change has been observed in individual(s) with clinical features of USH2A-related conditions and/or clinical features of Usher syndrome (PMID: 26927203, 28224992, 28944237; Invitae). In summary, the currently available evidence indicates that the variant is pathogenic, but additional data are needed to prove that conclusively. Therefore, this variant has been classified as Likely Pathogenic. Algorithms developed to predict the effect of missense changes on protein structure and function are either unavailable or do not agree on the potential impact of this missense change (SIFT: "Deleterious"; PolyPhen-2: "Probably Damaging"; Align-GVGD: "Class C0"). ClinVar contains an entry for this variant (Variation ID: 265979).

CeGaT Center for Human Genetics Tuebingen
Classification: Uncertain significance. Last evaluated: 2022-08-01. Review status: criteria provided, single submitter. Criteria: CeGaT Center For Human Genetics Tuebingen Variant Classification Criteria Version 2. Collection method: clinical testing. Allele origin: germline. Affected: yes. Observed: 1 variant allele. Not counted in ClinVar's aggregate classification.
Comment: USH2A: PM2, PP1

Blueprint Genetics
Classification: Pathogenic for USH2A-related disorders. Last evaluated: 2020-02-24. Review status: criteria provided, single submitter. Criteria: ACMG Guidelines, 2015. Collection method: clinical testing. Allele origin: germline. Affected: yes. Observed: 3 variant alleles. Not counted in ClinVar's aggregate classification.

Joint Genome Diagnostic Labs from Nijmegen and Maastricht, Radboudumc and MUMC+
Classification: Pathogenic for Retinitis pigmentosa 39. Last evaluated: 2016-09-01. Review status: no assertion criteria provided. Collection method: clinical testing. Allele origin: inherited. Affected: yes. Observed: 1 variant allele. Not counted in ClinVar's aggregate classification.

Bioscientia Institut fuer Medizinische Diagnostik GmbH, Sonic Healthcare
Classification: Uncertain significance for Usher syndrome type 2A. Review status: no assertion criteria provided. Collection method: clinical testing. Allele origin: germline. Affected: yes. Not counted in ClinVar's aggregate classification.

Clinical Genetics DNA and cytogenetics Diagnostics Lab, Erasmus MC, Erasmus Medical Center
Classification: Uncertain significance. Review status: no assertion criteria provided. Collection method: clinical testing. Allele origin: germline. Affected: yes. Study: VKGL Data-share Consensus. Not counted in ClinVar's aggregate classification.

Clinical Genetics, Academic Medical Center
Classification: Uncertain significance. Review status: no assertion criteria provided. Collection method: clinical testing. Allele origin: germline. Affected: yes. Study: VKGL Data-share Consensus. Not counted in ClinVar's aggregate classification.

Literature cited by the submitters: PubMed 26927203 (cited by Myriad Genetics, Inc. and Labcorp Genetics (formerly Invitae), Labcorp); PubMed 28944237 (cited by 3 submitters); PubMed 36785559 (cited by Myriad Genetics, Inc.); PubMed 37446072 (cited by Myriad Genetics, Inc.); PubMed 37734845 (cited by Myriad Genetics, Inc.); PubMed 28224992 (cited by Labcorp Genetics (formerly Invitae), Labcorp).

NM_206933.4(USH2A):c.5516T>A (p.Val1839Glu)

Genes: USH2A (usherin; minus strand), USH2A-AS2 (USH2A antisense RNA 2; plus strand). Cytogenetic location: 1q41.
Variant type: single nucleotide variant.
Coding change: c.5516T>A on transcript NM_206933.4 (MANE Select); coding-DNA position 5516, T replaced by A.
Protein change: p.Val1839Glu; replaces valine 1839 with glutamic acid.
Molecular consequence: missense variant.
Genome position (GRCh38, 1-based): chr1:216,078,145, A>T on the plus strand (T>A on the coding strand, the complement: USH2A is on the minus strand). VCF-style: chr1-216078145-A-T. GRCh37 (hg19) VCF-style: chr1-216251487-A-T.
Other names: short protein forms V1839E.
Identifiers: ClinVar variation 265979 (VCV000265979.44), dbSNP rs886039867, ClinGen allele CA10588918.
Genomic context (GRCh38, chr1:216,078,145, plus strand): 5'-TTACCTTGTTCCAAACACAAATGTTGATAAGAGTTCAGCAGTTCCTGTGGGATTCCTCCC[A>T]CATAAACTGGTGAATTCACCACCAGTGGCTGGTCTCCGGACTCCGATGCATGCTTCATCA-3'
Protein context (NP_996816.3, residues 1829-1849): QPLVVNSPVY[Val1839Glu]GGIPQELLNS